The following is an entry in ClinVar:

NM_001244008.2(KIF1A):c.3231C>G (p.Asp1077Glu)

Gene: KIF1A (kinesin family member 1A; minus strand). Cytogenetic location: 2q37.3.
Variant type: single nucleotide variant.
Coding change: c.3231C>G on transcript NM_001244008.2 (MANE Select); coding-DNA position 3231, C replaced by G.
Protein change: p.Asp1077Glu; replaces aspartic acid 1077 with glutamic acid.
Molecular consequence: missense variant.
Genome position (GRCh38, 1-based): chr2:240,745,881, G>C on the plus strand (C>G on the coding strand, the complement: KIF1A is on the minus strand). VCF-style: chr2-240745881-G-C. GRCh37 (hg19) VCF-style: chr2-241685298-G-C.
Other names: c.2955C>G, p.Asp985Glu (NM_001320705.2, NM_001330289.2, NM_001379638.1); c.3030C>G, p.Asp1010Glu (NM_001330290.2, NM_001379634.1, NM_001379635.1 and 1 more transcripts); c.3306C>G, p.Asp1102Glu (NM_001379631.1); c.3180C>G, p.Asp1060Glu (NM_001379632.1); c.3204C>G, p.Asp1068Glu (NM_001379633.1, NM_001379642.1, NM_001379645.1); c.2928C>G, p.Asp976Glu (NM_001379636.1, NM_001379639.1, NM_001379641.1 and 5 more transcripts); c.3003C>G, p.Asp1001Glu (NM_001379637.1, NM_001379648.1); c.2925C>G, p.Asp975Glu (NM_001379640.1); short protein forms D1001E, D1010E, D1060E, D1068E, D1077E, D1102E, D975E, D976E.
Identifiers: ClinVar variation 4085549 (VCV004085549.8).

ClinVar aggregate classification (germline): Uncertain significance (1 of 4 stars; one submission).

gnomAD v4.1: 1 of 1,608,526 alleles (0.000062%); highest among the groups gnomAD compares: Non-Finnish European, 0.000085%; no homozygotes.

Submission:

CeGaT Center for Human Genetics Tuebingen
Classification: Uncertain significance. Last evaluated: 2025-07-01. Review status: criteria provided, single submitter. Criteria: CeGaT Center For Human Genetics Tuebingen Variant Classification Criteria Version 2. Collection method: clinical testing. Allele origin: germline. Affected: yes. Observed: 1 variant allele.
Comment: KIF1A: PM2